The following is an entry in ClinVar:

NM_024642.5(GALNT12):c.715G>C (p.Glu239Gln)

Gene: GALNT12 (polypeptide N-acetylgalactosaminyltransferase 12; plus strand). Cytogenetic location: 9q22.33.
Variant type: single nucleotide variant.
Coding change: c.715G>C on transcript NM_024642.5 (MANE Select); coding-DNA position 715, G replaced by C.
Protein change: p.Glu239Gln; replaces glutamic acid 239 with glutamine.
Molecular consequence: missense variant.
Genome position (GRCh38, 1-based): chr9:98,826,925, G>C. VCF-style: chr9-98826925-G-C. GRCh37 (hg19) VCF-style: chr9-101589207-G-C.
Other names: short protein forms E239Q.
Identifiers: ClinVar variation 485652 (VCV000485652.22), dbSNP rs777144221, ClinGen allele CA5154029.

ClinVar aggregate classification (germline): Uncertain significance. Review status: criteria provided, multiple submitters, no conflicts (2 of 4 stars). 6 submissions from 6 submitters: Uncertain significance (6). Last evaluated 2026-01-12.

Conditions:
Colorectal cancer, susceptibility to, 1. Also called: COLORECTAL ADENOMA AND CANCER, SUSCEPTIBILITY TO; COLORECTAL CANCER, SUSCEPTIBILITY TO, ON CHROMOSOME 9. Identifiers: MedGen C1837315, MONDO:0012132, OMIM 608812.

Allele frequency attached by ClinVar (database versions not stated): gnomAD 0.00008 and 0.00007; gnomAD exomes 0.00009 and 0.00016; TOPMed 0.00009; ExAC 0.00007.
gnomAD v4.1: 243 of 1,564,888 alleles (0.016%); highest among the groups gnomAD compares: Non-Finnish European, 0.02%; no homozygotes.

Submissions (6):

Labcorp Genetics (formerly Invitae), Labcorp
Classification: Uncertain significance. Last evaluated: 2026-01-12. Review status: criteria provided, single submitter. Criteria: Invitae Variant Classification Sherloc (09022015). Collection method: clinical testing. Allele origin: germline.
Comment: This sequence change replaces glutamic acid, which is acidic and polar, with glutamine, which is neutral and polar, at codon 239 of the GALNT12 protein (p.Glu239Gln). This variant is present in population databases (rs777144221, gnomAD 0.02%). This missense change has been observed in individual(s) with rectal cancer (PMID: 29749045). ClinVar contains an entry for this variant (Variation ID: 485652). Invitae Evidence Modeling of protein sequence and biophysical properties (such as structural, functional, and spatial information, amino acid conservation, physicochemical variation, residue mobility, and thermodynamic stability) indicates that this missense variant is not expected to disrupt GALNT12 protein function with a negative predictive value of 80%. Experimental studies have shown that this missense change affects GALNT12 function (PMID: 29749045). In summary, the available evidence is currently insufficient to determine the role of this variant in disease. Therefore, it has been classified as a Variant of Uncertain Significance.

Ambry Genetics
Classification: Uncertain significance. Last evaluated: 2025-04-10. Review status: criteria provided, single submitter. Criteria: Ambry Variant Classification Scheme 2023. Collection method: clinical testing. Allele origin: germline.
Comment: The p.E239Q variant (also known as c.715G>C), located in coding exon 3 of the GALNT12 gene, results from a G to C substitution at nucleotide position 715. The glutamic acid at codon 239 is replaced by glutamine, an amino acid with highly similar properties. This alteration was identified in a population-based colorectal cancer cohort. Authors performed a functional study assessing enzyme activity and determined that p.E239Q resulted in an approximate 2-fold decrease in enzyme activity; however, this was below the threshold for significance and not considered deleterious (Evans DR et al. Hum. Mutat. 2018 Aug;39(8):1092-1101). This amino acid position is highly conserved in available vertebrate species. In addition, this alteration is predicted to be deleterious by in silico analysis. Since supporting evidence is limited at this time, the clinical significance of this alteration remains unclear.

Quest Diagnostics Nichols Institute San Juan Capistrano
Classification: Uncertain significance. Last evaluated: 2025-03-05. Review status: criteria provided, single submitter. Criteria: Quest Diagnostics criteria. Collection method: clinical testing. Allele origin: unknown.
Comment: The GALNT12 c.715G>C (p.Glu239Gln) variant has been reported in the published literature in an individual with rectal cancer and found to cause an approximately 2-fold decrease in GALNT12 enzyme activity in vitro, however the data lacked statistical significance (PMID: 29749045 (2018)). The frequency of this variant in the general population (Genome Aggregation Database) is higher than would generally be expected for pathogenic variants in this gene. Analysis of this variant using bioinformatics tools for the prediction of the effect of amino acid changes on protein structure and function yielded predictions that this variant is damaging. Based on the available information, we are unable to determine the clinical significance of this variant.

Blueprint Genetics
Classification: Uncertain significance. Last evaluated: 2024-07-16. Review status: criteria provided, single submitter. Criteria: ACMG Guidelines, 2015. Collection method: clinical testing. Allele origin: germline.

Baylor Genetics
Classification: Uncertain significance for Colorectal cancer, susceptibility to, 1. Last evaluated: 2024-02-07. Review status: criteria provided, single submitter. Criteria: ACMG Guidelines, 2015. Collection method: clinical testing. Allele origin: unknown.

Fulgent Genetics
Classification: Uncertain significance for Colorectal cancer, susceptibility to, 1. Last evaluated: 2018-10-31. Review status: criteria provided, single submitter. Criteria: ACMG Guidelines, 2015. Collection method: clinical testing. Allele origin: unknown.

Literature cited by the submitters: PubMed 29749045 (cited by Labcorp Genetics (formerly Invitae), Labcorp and Quest Diagnostics Nichols Institute San Juan Capistrano); PubMed 34426522 (cited by Quest Diagnostics Nichols Institute San Juan Capistrano).